The following is an entry in ClinVar:

ClinVar aggregate classification (germline): Benign. Review status: criteria provided, multiple submitters, no conflicts (2 of 4 stars). 5 submissions from 5 submitters: Benign (4). 1 of the submissions does not count toward it. Last evaluated 2026-02-03.

Conditions:
Combined oxidative phosphorylation defect type 27. Also called: Combined oxidative phosphorylation deficiency 27. Identifiers: Orphanet 477774, MedGen C5567608, MONDO:0014728, OMIM 616672.
CARS2-related disorder. Also called: CARS2-related condition.

Allele frequency attached by ClinVar (database versions not stated): gnomAD exomes 0.00297; ExAC 0.00468; gnomAD 0.01208 and 0.01302; 1000 Genomes Project 0.01298; TOPMed 0.01373; 1000 Genomes Project 30x 0.01374; ESP Exome Variant Server 0.01599.
gnomAD v4.1: 3,526 of 1,612,036 alleles (0.22%); highest among the groups gnomAD compares: African/African-American, 4.3%; 82 homozygotes.

Submissions (5):

Labcorp Genetics (formerly Invitae), Labcorp
Classification: Benign for Combined oxidative phosphorylation defect type 27. Last evaluated: 2026-02-03. Review status: criteria provided, single submitter. Criteria: Invitae Variant Classification Sherloc (09022015). Collection method: clinical testing. Allele origin: germline.

Mayo Clinic Laboratories, Mayo Clinic
Classification: Benign. Last evaluated: 2022-12-29. Review status: criteria provided, single submitter. Criteria: ACMG Guidelines, 2015. Collection method: clinical testing. Allele origin: germline. Observed: 6 variant alleles.
Comment: BA1, BP4

GeneDx
Classification: Benign. Last evaluated: 2016-03-30. Review status: criteria provided, single submitter. Criteria: GeneDx Variant Classification (06012015). Collection method: clinical testing. Allele origin: germline. Affected: yes.
Comment: This variant is considered likely benign or benign based on one or more of the following criteria: it is a conservative change, it occurs at a poorly conserved position in the protein, it is predicted to be benign by multiple in silico algorithms, and/or has population frequency not consistent with disease.

Breakthrough Genomics
Classification: Benign. Review status: criteria provided, single submitter. Criteria: ACMG Guidelines, 2015. Collection method: not provided. Allele origin: germline. Inheritance: Autosomal recessive inheritance. Affected: yes.

PreventionGenetics, part of Exact Sciences
Classification: Benign for CARS2-related condition. Last evaluated: 2019-07-18. Review status: no assertion criteria provided. Collection method: clinical testing. Allele origin: germline. Not counted in ClinVar's aggregate classification.
Comment: This variant is classified as benign based on ACMG/AMP sequence variant interpretation guidelines (Richards et al. 2015 PMID: 25741868, with internal and published modifications).

NM_024537.4(CARS2):c.1132C>T (p.Arg378Cys)

Gene: CARS2 (cysteinyl-tRNA synthetase 2, mitochondrial; minus strand). Cytogenetic location: 13q34.
Variant type: single nucleotide variant.
Coding change: c.1132C>T on transcript NM_024537.4 (MANE Select); coding-DNA position 1132, C replaced by T.
Protein change: p.Arg378Cys; replaces arginine 378 with cysteine.
Molecular consequence: missense variant. On other transcripts: non-coding transcript variant (2).
Genome position (GRCh38, 1-based): chr13:110,647,162, G>A on the plus strand (C>T on the coding strand, the complement: CARS2 is on the minus strand). VCF-style: chr13-110647162-G-A. GRCh37 (hg19) VCF-style: chr13-111299509-G-A.
Other names: p.Arg378Cys; c.346C>T, p.Arg116Cys (NM_001352252.2); short protein forms R378C, R116C.
Identifiers: ClinVar variation 382065 (VCV000382065.16), dbSNP rs79081036, ClinGen allele CA7051900.